The following is an entry in ClinVar:

NM_016128.4(COPG1):c.1954A>G (p.Lys652Glu)

Gene: COPG1 (coat protein complex I subunit gamma 1; plus strand). Cytogenetic location: 3q21.3.
Variant type: single nucleotide variant.
Coding change: c.1954A>G on transcript NM_016128.4 (MANE Select); coding-DNA position 1954, A replaced by G.
Protein change: p.Lys652Glu; replaces lysine 652 with glutamic acid.
Molecular consequence: missense variant.
Genome position (GRCh38, 1-based): chr3:129,271,877, A>G. VCF-style: chr3-129271877-A-G. GRCh37 (hg19) VCF-style: chr3-128990720-A-G.
Other names: K652E.
Identifiers: ClinVar variation 3363148 (VCV003363148.1).
Genomic context (GRCh38, chr3:129,271,877, plus strand): 5'-TCCTCGCCTGAGCCCGTGGCCCTCACCGAGTCAGAGACGGAGTATGTCATCCGCTGCACC[A>G]AACACACCTTCACCAACCACATGGTTTTTCAGGTGAGCAAGGTGGGCTGAGGCCCTGCTG-3'
Protein context (NP_057212.1, residues 642-662): SETEYVIRCT[Lys652Glu]HTFTNHMVFQ

ClinVar aggregate classification (germline): no classifications from unflagged records (0 of 4 stars; one submission).

Conditions:
Immunodeficiency 128. Identifiers: MedGen C5975463, OMIM 620983, MONDO:0975834.

Submission:

OMIM
Classification: Pathogenic for IMMUNODEFICIENCY 128 (1 family). Last evaluated: 2024-10-18. Review status: flagged submission. Collection method: literature only. Allele origin: germline.
ClinVar note: Notes: Flagging candidate with reason of insufficient supporting evidence. This gene has been classified as having a limited gene-disease relationship by a ClinGen Expert Panel.
ClinVar note: Reason: P/LP classification for a variant in a gene with insufficient evidence for a gene-disease relationship

Literature cited by the submitters: PubMed 33529166.